The following is an entry in ClinVar:

NM_013432.5(TONSL):c.704T>A (p.Met235Lys)

Gene: TONSL (tonsoku like, DNA repair protein; minus strand). Cytogenetic location: 8q24.3.
Variant type: single nucleotide variant.
Coding change: c.704T>A on transcript NM_013432.5 (MANE Select); coding-DNA position 704, T replaced by A.
Protein change: p.Met235Lys; replaces methionine 235 with lysine.
Molecular consequence: missense variant.
Genome position (GRCh38, 1-based): chr8:144,442,287, A>T on the plus strand (T>A on the coding strand, the complement: TONSL is on the minus strand). VCF-style: chr8-144442287-A-T. GRCh37 (hg19) VCF-style: chr8-145667670-A-T.
Other names: short protein forms M235K.
Identifiers: ClinVar variation 2990262 (VCV002990262.3), dbSNP rs772730361, ClinGen allele CA4943545.

ClinVar aggregate classification (germline): Uncertain significance (1 of 4 stars; one submission).

Allele frequency attached by ClinVar (database versions not stated): gnomAD 0.00001; ExAC 0.00003.
gnomAD v4.1: 28 of 1,597,538 alleles (0.0018%); highest among the groups gnomAD compares: South Asian, 0.018%; no homozygotes.

Submission:

Labcorp Genetics (formerly Invitae), Labcorp
Classification: Uncertain significance. Last evaluated: 2023-06-28. Review status: criteria provided, single submitter. Criteria: Invitae Variant Classification Sherloc (09022015). Collection method: clinical testing. Allele origin: germline.
Comment: In summary, the available evidence is currently insufficient to determine the role of this variant in disease. Therefore, it has been classified as a Variant of Uncertain Significance. Advanced modeling of protein sequence and biophysical properties (such as structural, functional, and spatial information, amino acid conservation, physicochemical variation, residue mobility, and thermodynamic stability) performed at Invitae indicates that this missense variant is expected to disrupt TONSL protein function. This variant has not been reported in the literature in individuals affected with TONSL-related conditions. This variant is present in population databases (rs772730361, gnomAD 0.02%). This sequence change replaces methionine, which is neutral and non-polar, with lysine, which is basic and polar, at codon 235 of the TONSL protein (p.Met235Lys).